The following is an entry in ClinVar:

NM_006031.6(PCNT):c.976+4C>G

Gene: PCNT (pericentrin; plus strand). Cytogenetic location: 21q22.3.
Variant type: single nucleotide variant.
Coding change: c.976+4C>G on transcript NM_006031.6 (MANE Select); 4 bases into the intron after coding-DNA position 976, C replaced by G.
Molecular consequence: intron variant.
Genome position (GRCh38, 1-based): chr21:46,347,002, C>G. VCF-style: chr21-46347002-C-G. GRCh37 (hg19) VCF-style: chr21-47766916-C-G.
Other names: c.622+4C>G (NM_001315529.2).
Identifiers: ClinVar variation 1355442 (VCV001355442.3), dbSNP rs1380660060, ClinGen allele CA638499252.

ClinVar aggregate classification (germline): Uncertain significance (1 of 4 stars; one submission).

Allele frequency attached by ClinVar (database versions not stated): gnomAD 0.00001; gnomAD exomes 0.00002; TOPMed 0.00002.
gnomAD v4.1: 26 of 1,593,578 alleles (0.0016%); highest among the groups gnomAD compares: Non-Finnish European, 0.0021%; no homozygotes.

Submission:

Labcorp Genetics (formerly Invitae), Labcorp
Classification: Uncertain significance. Last evaluated: 2021-10-11. Review status: criteria provided, single submitter. Criteria: Invitae Variant Classification Sherloc (09022015). Collection method: clinical testing. Allele origin: germline.
Comment: This sequence change falls in intron 5 of the PCNT gene. It does not directly change the encoded amino acid sequence of the PCNT protein. It affects a nucleotide within the consensus splice site. This variant is not present in population databases (ExAC no frequency). This variant has not been reported in the literature in individuals affected with PCNT-related conditions. Variants that disrupt the consensus splice site are a relatively common cause of aberrant splicing (PMID: 17576681, 9536098). Algorithms developed to predict the effect of sequence changes on RNA splicing suggest that this variant may disrupt the consensus splice site. In summary, the available evidence is currently insufficient to determine the role of this variant in disease. Therefore, it has been classified as a Variant of Uncertain Significance.

Literature cited by the submitters: PubMed 17576681; PubMed 9536098.